The following is an entry in ClinVar:

ClinVar aggregate classification (germline): Conflicting classifications of pathogenicity. Review status: criteria provided, conflicting classifications (1 of 4 stars). 4 submissions from 4 submitters: Uncertain significance (3); Likely benign (1). Last evaluated 2025-04-11.

Conditions:
Hereditary breast ovarian cancer syndrome. Also called: Hereditary breast and ovarian cancer syndrome (HBOC); Hereditary breast and ovarian cancer syndrome; Breast and ovarian cancer; Hereditary breast and/or ovarian cancer syndrome; Hereditary breast and ovarian cancer; BRCA1- and BRCA2-Associated Hereditary Breast and Ovarian Cancer. Identifiers: Orphanet 145, MedGen C0677776, MeSH D061325, MONDO:0003582. Disease mechanism: loss of function.
Hereditary cancer-predisposing syndrome. Also called: Neoplastic Syndromes, Hereditary; Hereditary Cancer Syndrome; Hereditary neoplastic syndrome; Tumor predisposition. Identifiers: Orphanet 140162, MedGen C0027672, MeSH D009386, MONDO:0015356.

Submissions (4):

Ambry Genetics
Classification: Uncertain significance for Hereditary cancer-predisposing syndrome. Last evaluated: 2025-04-11. Review status: criteria provided, single submitter. Criteria: Ambry Variant Classification Scheme 2023. Collection method: clinical testing. Allele origin: germline.
Comment: The p.N354I variant (also known as c.1061A>T), located in coding exon 9 of the BRCA1 gene, results from an A to T substitution at nucleotide position 1061. The asparagine at codon 354 is replaced by isoleucine, an amino acid with dissimilar properties. This amino acid position is not well-conserved on limited sequence alignment. In addition, the in silico prediction for this alteration is inconclusive. Since supporting evidence is limited at this time, the clinical significance of this alteration remains unclear.

University of Washington Department of Laboratory Medicine, University of Washington
Classification: Likely benign for Hereditary cancer-predisposing syndrome. Last evaluated: 2023-03-23. Review status: criteria provided, single submitter. Criteria: Dines et al. (Genet Med. 2020). Collection method: curation. Allele origin: germline.
Comment: Missense variant in a coldspot region where missense variants are very unlikely to be pathogenic (PMID:31911673).

BRCA1 coldspot (exon 11 using historical exon numbering). Reclassification based on statistical prior probability

Women's Health and Genetics/Laboratory Corporation of America, LabCorp
Classification: Uncertain significance. Last evaluated: 2023-03-11. Review status: criteria provided, single submitter. Criteria: LabCorp Variant Classification Summary - May 2015. Collection method: clinical testing. Allele origin: germline.

Labcorp Genetics (formerly Invitae), Labcorp
Classification: Uncertain significance for Hereditary breast ovarian cancer syndrome. Last evaluated: 2019-03-04. Review status: criteria provided, single submitter. Criteria: Invitae Variant Classification Sherloc (09022015). Collection method: clinical testing. Allele origin: germline.
Comment: This variant has not been reported in the literature in individuals with BRCA1-related conditions. ClinVar contains an entry for this variant (Variation ID: 462547). In summary, the available evidence is currently insufficient to determine the role of this variant in disease. Therefore, it has been classified as a Variant of Uncertain Significance. Algorithms developed to predict the effect of missense changes on protein structure and function are either unavailable or do not agree on the potential impact of this missense change (SIFT: "Tolerated"; PolyPhen-2: "Possibly Damaging"; Align-GVGD: "Class C0"). This variant is not present in population databases (ExAC no frequency). This sequence change replaces asparagine with isoleucine at codon 354 of the BRCA1 protein (p.Asn354Ile). The asparagine residue is moderately conserved and there is a large physicochemical difference between asparagine and isoleucine.

NM_007294.4(BRCA1):c.1061A>T (p.Asn354Ile)

Gene: BRCA1 (BRCA1 DNA repair associated; minus strand). Cytogenetic location: 17q21.31.
Variant type: single nucleotide variant.
Coding change: c.1061A>T on transcript NM_007294.4 (MANE Select); coding-DNA position 1061, A replaced by T.
Protein change: p.Asn354Ile; replaces asparagine 354 with isoleucine.
Molecular consequence: missense variant. On other transcripts: intron variant (137).
Genome position (GRCh38, 1-based): chr17:43,094,470, T>A on the plus strand (A>T on the coding strand, the complement: BRCA1 is on the minus strand). VCF-style: chr17-43094470-T-A. GRCh37 (hg19) VCF-style: chr17-41246487-T-A.
Other names: c.848A>T, p.Asn283Ile (NM_001407917.1, NM_001407918.1, NM_001407571.1 and 9 more transcripts); c.938A>T, p.Asn313Ile (NM_001407919.1, NM_001407648.1, NM_001407664.1 and 19 more transcripts); c.797A>T, p.Asn266Ile (NM_001407923.1, NM_001407920.1, NM_001407921.1 and 9 more transcripts); c.1061A>T, p.Asn354Ile (NM_001407626.1, NM_001407624.1, NM_001407625.1 and 30 more transcripts); c.1058A>T, p.Asn353Ile (NM_001407628.1, NM_001407627.1, NM_001407629.1 and 22 more transcripts); c.1052A>T, p.Asn351Ile (NM_001407646.1, NM_001407647.1); c.935A>T, p.Asn312Ile (NM_001407649.1, NM_001407670.1, NM_001407671.1 and 11 more transcripts); c.983A>T, p.Asn328Ile (NM_001407653.1, NM_001407654.1, NM_001407655.1 and 4 more transcripts); and 40 more; short protein forms N354I, N307I, N226I, N284I, N286I, N287I, N312I, N353I.
Identifiers: ClinVar variation 462547 (VCV000462547.20), dbSNP rs1555592577, ClinGen allele CA10599935.